The following is an entry in ClinVar:

NM_004958.4(MTOR):c.6033+3G>A

Gene: MTOR (mechanistic target of rapamycin kinase; minus strand). Cytogenetic location: 1p36.22.
Variant type: single nucleotide variant.
Coding change: c.6033+3G>A on transcript NM_004958.4 (MANE Select); 3 bases into the intron after coding-DNA position 6033, G replaced by A.
Molecular consequence: intron variant.
Genome position (GRCh38, 1-based): chr1:11,128,001, C>T on the plus strand (G>A on the coding strand, the complement: MTOR is on the minus strand). VCF-style: chr1-11128001-C-T. GRCh37 (hg19) VCF-style: chr1-11188058-C-T.
Identifiers: ClinVar variation 696959 (VCV000696959.31), dbSNP rs560605413, ClinGen allele CA589188.

ClinVar aggregate classification (germline): Benign/Likely benign. Review status: criteria provided, multiple submitters, no conflicts (2 of 4 stars). 5 submissions from 5 submitters: Benign (3); Likely benign (2). Last evaluated 2025-12-19.

Conditions:
MTOR-related disorder. Also called: MTOR-related condition.

Allele frequency attached by ClinVar (database versions not stated): gnomAD below 0.00001 and 0.00016; TOPMed 0.00003; gnomAD exomes 0.00034 and 0.00062; ExAC 0.00070; 1000 Genomes Project 0.00100; 1000 Genomes Project 30x 0.00125.
gnomAD v4.1: 514 of 1,613,722 alleles (0.032%); highest among the groups gnomAD compares: South Asian, 0.53%; 7 homozygotes.

Submissions (5):

Labcorp Genetics (formerly Invitae), Labcorp
Classification: Benign. Last evaluated: 2025-12-19. Review status: criteria provided, single submitter. Criteria: Invitae Variant Classification Sherloc (09022015). Collection method: clinical testing. Allele origin: germline.

PreventionGenetics, part of Exact Sciences
Classification: Likely benign for MTOR-related condition. Last evaluated: 2025-11-13. Review status: criteria provided, single submitter. Criteria: ACMG Guidelines, 2015. Collection method: clinical testing. Allele origin: germline.
Comment: This variant is classified as likely benign based on ACMG/AMP sequence variant interpretation guidelines (Richards et al. 2015 PMID: 25741868, with internal and published modifications).

CeGaT Center for Human Genetics Tuebingen
Classification: Benign. Last evaluated: 2025-06-01. Review status: criteria provided, single submitter. Criteria: CeGaT Center For Human Genetics Tuebingen Variant Classification Criteria Version 2. Collection method: clinical testing. Allele origin: germline. Affected: yes. Observed: 2 variant alleles.
Comment: MTOR: BP4, BS1, BS2

Blueprint Genetics
Classification: Likely benign. Last evaluated: 2024-10-04. Review status: criteria provided, single submitter. Criteria: ACMG Guidelines, 2015. Collection method: clinical testing. Allele origin: germline.

GeneDx
Classification: Benign. Last evaluated: 2020-04-13. Review status: criteria provided, single submitter. Criteria: GeneDx Variant Classification Process June 2021. Collection method: clinical testing. Allele origin: germline. Affected: yes.